The following is an entry in ClinVar:

NM_000264.5(PTCH1):c.883C>A (p.Pro295Thr)

Gene: PTCH1 (patched 1; minus strand). Cytogenetic location: 9q22.32.
Variant type: single nucleotide variant.
Coding change: c.883C>A on transcript NM_000264.5 (MANE Select); coding-DNA position 883, C replaced by A.
Protein change: p.Pro295Thr; replaces proline 295 with threonine.
Molecular consequence: missense variant. On other transcripts: non-coding transcript variant (1).
Genome position (GRCh38, 1-based): chr9:95,480,452, G>T on the plus strand (C>A on the coding strand, the complement: PTCH1 is on the minus strand). VCF-style: chr9-95480452-G-T. GRCh37 (hg19) VCF-style: chr9-98242734-G-T.
Other names: c.685C>A, p.Pro229Thr (NM_001083602.3); c.880C>A, p.Pro294Thr (NM_001083603.3); c.430C>A, p.Pro144Thr (NM_001083604.3, NM_001083605.3, NM_001083606.3 and 1 more transcripts); c.883C>A, p.Pro295Thr (NM_001354918.2); short protein forms P144T, P229T, P294T, P295T.
Identifiers: ClinVar variation 4862716 (VCV004862716.1).
Genomic context (GRCh38, chr9:95,480,452, plus strand): 5'-TGGTTGAATTTTTGTTGGGGGCTGTGGCGGGGCAGTCTGGATCGGCCGGATTGAGGCAGG[G>T]GCGGTCCATGTAACCATGACCAACCTCAGCCTTATTCAGCATTTCCTCCCAGCTGTCCAC-3'
Protein context (NP_000255.2, residues 285-305): AEVGHGYMDR[Pro295Thr]CLNPADPDCP

ClinVar aggregate classification (germline): Uncertain significance (1 of 4 stars; one submission).

Conditions:
Hereditary cancer-predisposing syndrome. Also called: Neoplastic Syndromes, Hereditary; Tumor predisposition; Hereditary Cancer Syndrome; Hereditary neoplastic syndrome. Identifiers: Orphanet 140162, MedGen C0027672, MeSH D009386, MONDO:0015356.

Submission:

Ambry Genetics
Classification: Uncertain significance for Hereditary cancer-predisposing syndrome. Last evaluated: 2026-06-14. Review status: criteria provided, single submitter. Criteria: Ambry Variant Classification Scheme 2023. Collection method: clinical testing. Allele origin: germline.
Comment: The p.P295T variant (also known as c.883C>A), located in coding exon 6 of the PTCH1 gene, results from a C to A substitution at nucleotide position 883. The proline at codon 295 is replaced by threonine, an amino acid with highly similar properties. This amino acid position is conserved. In addition, this alteration is predicted to be deleterious by in silico analysis. Based on the available evidence, the clinical significance of this variant remains unclear.